The following is an entry in ClinVar:

ClinVar aggregate classification (germline): Likely benign. Review status: criteria provided, single submitter (1 of 4 stars). 2 submissions from 2 submitters: Likely benign (1). 1 of the submissions does not count toward it. Last evaluated 2021-05-02.

Conditions:
Breast-ovarian cancer, familial, susceptibility to, 1 (BROVCA1). Also called: BRCA1 Hereditary Breast and Ovarian Cancer; OVARIAN CANCER, SUSCEPTIBILITY TO. Identifiers: Orphanet 145, MedGen C2676676, MONDO:0011450, OMIM 604370. Disease mechanism: loss of function.
Hereditary breast ovarian cancer syndrome. Also called: Hereditary breast and ovarian cancer; Hereditary breast and ovarian cancer syndrome; Hereditary breast and ovarian cancer syndrome (HBOC); Breast and ovarian cancer; BRCA1- and BRCA2-Associated Hereditary Breast and Ovarian Cancer; Hereditary breast and/or ovarian cancer syndrome. Identifiers: Orphanet 145, MedGen C0677776, MeSH D061325, MONDO:0003582. Disease mechanism: loss of function.

Submissions (3):

Labcorp Genetics (formerly Invitae), Labcorp
Classification: Likely benign for Hereditary breast ovarian cancer syndrome. Last evaluated: 2021-05-02. Review status: criteria provided, single submitter. Criteria: Invitae Variant Classification Sherloc (09022015). Collection method: clinical testing. Allele origin: germline.

BRCAlab, Lund University
Classification: Likely benign for Breast-ovarian cancer, familial, susceptibility to, 1. Last evaluated: 2020-03-02. Review status: no assertion criteria provided. Collection method: clinical testing. Allele origin: germline. Affected: yes. Not counted in ClinVar's aggregate classification.

Brotman Baty Institute, University of Washington
No classification provided (evidence only). Condition: Breast-ovarian cancer, familial 1. Review status: no classification provided. Collection method: in vitro. Allele origin: not applicable. Functional consequence: functionally_normal. Not counted in ClinVar's aggregate classification.
ClinVar note: "not provided" was previously submitted as the classification for the variant. However, the classification appeared to be based only on an observation of functional data so it was converted to no classification on 2025-07-30.

NM_007294.4(BRCA1):c.5193+20A>G

Gene: BRCA1 (BRCA1 DNA repair associated; minus strand). Cytogenetic location: 17q21.31.
Variant type: single nucleotide variant.
Coding change: c.5193+20A>G on transcript NM_007294.4 (MANE Select); 20 bases into the intron after coding-DNA position 5193, A replaced by G.
Molecular consequence: intron variant.
Genome position (GRCh38, 1-based): chr17:43,063,313, T>C on the plus strand (A>G on the coding strand, the complement: BRCA1 is on the minus strand). VCF-style: chr17-43063313-T-C. GRCh37 (hg19) VCF-style: chr17-41215330-T-C.
Other names: c.1803+20A>G (NM_001408413.1, NM_001408416.1, NM_001408414.1 and 2 more transcripts); c.5109+20A>G (NM_001407660.1, NM_001407661.1, NM_001407663.1 and 2 more transcripts); c.1680+20A>G (NM_001408476.1, NM_001408475.1); c.1683+20A>G (NM_001408474.1); c.4992+20A>G (NM_001407862.1); c.1872+20A>G (NM_001408409.1); c.5112+20A>G (NM_001407658.1, NM_001407656.1, NM_001407657.1); c.5115+20A>G (NM_001407653.1, NM_001407655.1, NM_001407654.1 and 1 more transcripts); and 72 more.
Identifiers: ClinVar variation 574662 (VCV000574662.14), dbSNP rs1567768516, ClinGen allele CA891844099.
Genomic context (GRCh38, chr17:43,063,313, plus strand): 5'-TTGATGGAAGGAAGCAAATACATTTTTAACTATATGACTGAATGAATATCTCTGGTTAGT[T>C]TGTAACATCAAGTACTTACCTCATTCAGCATTTTTCTTTCTTTAATAGACTGGGTCACCC-3'